The following is an entry in ClinVar:

ClinVar aggregate classification (germline): Likely pathogenic (1 of 4 stars; one submission).

Conditions:
Dilated cardiomyopathy 1G (CMD1G). Identifiers: Orphanet 154, MedGen C1858763, MONDO:0011400, OMIM 604145.
Autosomal recessive limb-girdle muscular dystrophy type 2J (LGMDR10). Also called: Limb-girdle muscular dystrophy, type 2J; MUSCULAR DYSTROPHY, LIMB-GIRDLE, AUTOSOMAL RECESSIVE 10. Identifiers: Orphanet 140922, MedGen C1837342, MONDO:0012127, OMIM 608807.

Submission:

Labcorp Genetics (formerly Invitae), Labcorp
Classification: Likely pathogenic for Dilated cardiomyopathy 1G; Autosomal recessive limb-girdle muscular dystrophy type 2J. Last evaluated: 2020-08-08. Review status: criteria provided, single submitter. Criteria: Invitae Variant Classification Sherloc (09022015). Collection method: clinical testing. Allele origin: germline.
Comment: In summary, the currently available evidence indicates that the variant is pathogenic, but additional data are needed to prove that conclusively. Therefore, this variant has been classified as Likely Pathogenic. This variant is located in the A band of TTN (PMID: 25589632). Truncating variants in this region are significantly overrepresented in patients affected with dilated cardiomyopathy (PMID: 25589632). Truncating variants in this region have also been reported in individuals affected with autosomal recessive centronuclear myopathy (PMID: 23975875). This variant has not been reported in the literature in individuals with TTN-related conditions. This variant is not present in population databases (ExAC no frequency). This sequence change results in a premature translational stop signal in the TTN gene (p.Thr23793Argfs*11). While this is not anticipated to result in nonsense mediated decay, it is expected to create a truncated TTN protein.

Literature cited by the submitters: PubMed 25589632; PubMed 23975875.

NM_001267550.2(TTN):c.71378_71385del (p.Thr23793fs)

Genes: TTN (titin; minus strand), TTN-AS1 (TTN antisense RNA 1; plus strand). Cytogenetic location: 2q31.2.
Variant type: Deletion.
Coding change: c.71378_71385del on transcript NM_001267550.2 (MANE Select); coding-DNA positions 71378 to 71385, 8 bases deleted (CTGGATTA; older notation c.71378_71385delCTGGATTA).
Protein change: p.Thr23793fs; shifts the reading frame from threonine 23793.
Molecular consequence: frameshift variant.
Genome position (GRCh38, 1-based): chr2:178,574,747-178,574,754, TAATCCAG deleted on the plus strand (CTGGATTA on the coding strand, the reverse complement: TTN is on the minus strand); deleting any 8 consecutive bases within chr2:178,574,747-178,574,756 gives the same sequence; the c. name uses the placement nearest the transcript's 3' end. VCF-style (leftmost placement, unchanged base first): chr2-178574746-CTAATCCAG-C. GRCh37 (hg19) VCF-style: chr2-179439473-CTAATCCAG-C.
Other names: c.66455_66462del, p.Thr22152fs (NM_001256850.1); c.44183_44190del, p.Thr14728fs (NM_003319.4); c.63674_63681del, p.Thr21225fs (NM_133378.4); c.44558_44565del, p.Thr14853fs (NM_133432.3); c.44759_44766del, p.Thr14920fs (NM_133437.4); short protein forms T14728fs, T14853fs, T14920fs, T21225fs, T22152fs, T23793fs.
Identifiers: ClinVar variation 1067467 (VCV001067467.11), dbSNP rs1709461632, ClinGen allele CA1310532887.